The following is an entry in ClinVar:

NM_001042492.3(NF1):c.6704+1G>T

Gene: NF1 (neurofibromin 1; plus strand). Cytogenetic location: 17q11.2.
Variant type: single nucleotide variant.
Coding change: c.6704+1G>T on transcript NM_001042492.3 (MANE Select); the canonical splice donor site of the intron after coding-DNA position 6704, G replaced by T.
Molecular consequence: splice donor variant.
Genome position (GRCh38, 1-based): chr17:31,337,881, G>T. VCF-style: chr17-31337881-G-T. GRCh37 (hg19) VCF-style: chr17-29664899-G-T.
Other names: c.6641+1G>T (NM_000267.4); c.6704+1G>T (NM_001042492.2).
Identifiers: ClinVar variation 547680 (VCV000547680.25), dbSNP rs1060500376, ClinGen allele CA399013965.

ClinVar aggregate classification (germline): Pathogenic. Review status: criteria provided, multiple submitters, no conflicts (2 of 4 stars). 11 submissions from 11 submitters: Pathogenic (10). 1 of the submissions does not count toward it. Last evaluated 2025-09-11.

Conditions:
Juvenile myelomonocytic leukemia (JMML). Also called: LEUKEMIA, JUVENILE MYELOMONOCYTIC, SOMATIC. Identifiers: Orphanet 86834, MedGen C0349639, MONDO:0011908, OMIM 607785, HP:0012209.
Neurofibromatosis-Noonan syndrome (NFNS). Also called: NEUROFIBROMATOSIS WITH NOONAN PHENOTYPE. Identifiers: Orphanet 638, MedGen C2931482, MONDO:0011035, OMIM 601321. Disease mechanism: loss of function.
NF1-related disorder. Also called: NF1-related condition. Identifiers: MedGen CN379171.
Hereditary cancer-predisposing syndrome. Also called: Neoplastic Syndromes, Hereditary; Tumor predisposition; Hereditary Cancer Syndrome; Hereditary neoplastic syndrome. Identifiers: Orphanet 140162, MedGen C0027672, MeSH D009386, MONDO:0015356.
Cardiovascular phenotype. Identifiers: MedGen CN230736.
Rhabdomyosarcoma. Also called: Rhabdomyosarcoma (disease). Identifiers: Orphanet 780, MedGen C0035412, MeSH D012208, MONDO:0005212, HP:0002859.
Café-au-lait macules with pulmonary stenosis (WTSN). Also called: PULMONIC STENOSIS WITH CAFE-AU-LAIT SPOTS. Identifiers: MedGen C0553586, MONDO:0008672, OMIM 193520.
Neurofibromatosis, type 1 (NF1). Also called: VON RECKLINGHAUSEN DISEASE; Peripheral type neurofibromatosis; Neurofibromatosis, type I; NEUROFIBROMATOSIS, TYPE I, SOMATIC. Identifiers: Orphanet 636, MedGen C0027831, MONDO:0018975, OMIM 162200. Disease mechanism: loss of function.
Neurofibromatosis, familial spinal (FSNF). Identifiers: Orphanet 636, MedGen C1834235, MONDO:0008078, OMIM 162210. Disease mechanism: loss of function.

Allele frequency attached by ClinVar (database versions not stated): gnomAD 0.00001.
gnomAD v4.1: 1 of 1,613,108 alleles (0.000062%); highest among the groups gnomAD compares: African/African-American, 0.0013%; no homozygotes.

Submissions (11):

Ambry Genetics
Classification: Pathogenic for Cardiovascular phenotype; Hereditary cancer-predisposing syndrome. Last evaluated: 2025-09-11. Review status: criteria provided, single submitter. Criteria: Ambry Variant Classification Scheme 2023. Collection method: clinical testing. Allele origin: germline.
Comment: The c.6641+1G>T intronic variant results from a G to T substitution one nucleotide after coding exon 43 of the NF1 gene. Alterations that disrupt the canonical splice site are expected to cause aberrant splicing, resulting in an abnormal protein or a transcript that is subject to nonsense-mediated mRNA decay. Based on data from gnomAD, this allele has an overall frequency of 0.003% (1/31388) of total alleles studied. This mutation has been reported in individuals with a clinical diagnosis of neurofibromatosis type 1 (Park, 1998; Nemethova, 2013). This nucleotide position is highly conserved in available vertebrate species. In silico splice site analysis predicts that this alteration will weaken the native splice donor site; however, direct evidence is insufficient at this time (Ambry internal data). Based on the available evidence, this alteration is classified as pathogenic.

Labcorp Genetics (formerly Invitae), Labcorp
Classification: Pathogenic for Neurofibromatosis, type 1. Last evaluated: 2025-04-09. Review status: criteria provided, single submitter. Criteria: Invitae Variant Classification Sherloc (09022015). Collection method: clinical testing. Allele origin: germline.
Comment: This sequence change affects a donor splice site in intron 43 of the NF1 gene. RNA analysis indicates that disruption of this splice site induces altered splicing and may result in an absent or altered protein product. This variant is not present in population databases (gnomAD no frequency). Disruption of this splice site has been observed in individual(s) with neurofibromatosis type 1 (NF1) (PMID: 9783703, 23758643, 31776437, 33372952). ClinVar contains an entry for this variant (Variation ID: 547680). Studies have shown that disruption of this splice site results in exon 44 skipping, and produces a non-functional protein and/or introduces a premature termination codon (PMID: 9783703). For these reasons, this variant has been classified as Pathogenic.

Victorian Clinical Genetics Services, Murdoch Childrens Research Institute
Classification: Pathogenic for Neurofibromatosis, type 1. Last evaluated: 2024-10-09. Review status: criteria provided, single submitter. Criteria: ACMG Guidelines, 2015. Collection method: clinical testing. Allele origin: germline. Inheritance: Autosomal dominant inheritance. Affected: yes.
Comment: Based on the classification scheme VCGS_Germline_v1.3.4, this variant is classified as Pathogenic. Following criteria are met: 0102 - Loss of function is a known mechanism of disease in this gene and is associated juvenile myelomonocytic leukemia (MIM#607785), familial spinal neurofibromatosis (MIM#162210), neurofibromatosis, type 1 (MIM#162200), neurofibromatosis-Noonan syndrome (MIM#601321) and Watson syndrome (MIM#193520). (I) 0107 - This gene is associated with autosomal dominant disease. (I) 0115 - Variants in this gene are known to have variable expressivity. Disease manifestation can be extremely variable, even within a family (PMID: 20301288). (I) 0209 - Splice site variant proven to affect splicing of the transcript with uncertain effect on protein sequence. Mini-gene assay using patient sample demonstrated exon 44 skipping (PMID: 9783703). (SP) 0251 - This variant is heterozygous. (I) 0302 - Variant is present in gnomAD <0.001 for a dominant condition (v2+v3: 1 heterozygote, 0 homozygotes). (SP) 0311 - An alternative nucleotide change at the same canonical splice site, is present in gnomAD (v2: 1 heterozygote, 0 homozygotes). (I) 0505 - Abnormal splicing is predicted by in silico tools and affected nucleotide is highly conserved. (SP) 0701 - Other canonical splice variants comparable to the one identified in this case have very strong previous evidence for pathogenicity. A total of six other changes affecting either the c.6704+1 or c.6704+2 canonical splice sites were classified as likely pathogenic/pathogenic by diagnostic laboratories in ClinVar. (SP). 0801 - This variant has strong previous evidence of pathogenicity in unrelated individuals. It has been reported in at least three individuals with neurofibromatosis type 1, including de novo events (PMID: 9783703, 23758643, 31776437). In addition, it has been classified as pathogenic by multiple diagnostic laboratories in ClinVar. (SP) 1208 - Inheritance information for this variant is not currently available in this individual. (I) Legend: (SP) - Supporting pathogenic, (I) - Information, (SB) - Supporting benign

Fulgent Genetics
Classification: Pathogenic for Neurofibromatosis, type 1; Neurofibromatosis, familial spinal; Café-au-lait macules with pulmonary stenosis; Neurofibromatosis-Noonan syndrome; Juvenile myelomonocytic leukemia. Last evaluated: 2024-05-07. Review status: criteria provided, single submitter. Criteria: ACMG Guidelines, 2015. Collection method: clinical testing. Allele origin: germline.

Blueprint Genetics
Classification: Pathogenic for NF1-related disorders. Last evaluated: 2023-07-17. Review status: criteria provided, single submitter. Criteria: ACMG Guidelines, 2015. Collection method: clinical testing. Allele origin: germline. Affected: yes. Observed: 1 variant allele.

GeneDx
Classification: Pathogenic. Last evaluated: 2022-07-17. Review status: criteria provided, single submitter. Criteria: GeneDx Variant Classification Process June 2021. Collection method: clinical testing. Allele origin: germline. Affected: yes.
Comment: Canonical splice site variant predicted to result in a null allele and reported to result in skipping of exon 43 in a gene for which loss of function is a known mechanism of disease (Park et al., 1998); Also known as IVS35+1G>T; This variant is associated with the following publications: (PMID: 25525159, 9783703, 23906300, 31766501, 20686819, 23758643, 33372952, 31776437)

Genome-Nilou Lab
Classification: Pathogenic for Neurofibromatosis, type 1. Last evaluated: 2022-03-15. Review status: criteria provided, single submitter. Criteria: ACMG Guidelines, 2015. Collection method: clinical testing. Allele origin: germline. Affected: no.

Baylor Genetics
Classification: Pathogenic for Juvenile myelomonocytic leukemia. Last evaluated: 2021-09-08. Review status: criteria provided, single submitter. Criteria: ACMG Guidelines, 2015. Collection method: clinical testing. Allele origin: unknown.

Center of Genomic medicine, Geneva, University Hospital of Geneva
Classification: Pathogenic for Neurofibromatosis-Noonan syndrome. Last evaluated: 2018-02-19. Review status: criteria provided, single submitter. Criteria: ACMG Guidelines, 2015. Collection method: clinical testing. Allele origin: germline. Affected: yes. Observed: 1 variant allele.

Center for Human Genetics, Inc
Classification: Pathogenic for Neurofibromatosis, type 1. Last evaluated: 2016-11-01. Review status: criteria provided, single submitter. Criteria: ACMG Guidelines, 2015. Collection method: clinical testing. Allele origin: germline. Affected: yes.

Human Genome Sequencing Center Clinical Lab, Baylor College of Medicine
Classification: Pathogenic for Rhabdomyosarcoma. Last evaluated: 2020-09-01. Review status: no assertion criteria provided. Collection method: provider interpretation. Allele origin: germline. Affected: yes. Not counted in ClinVar's aggregate classification.

Literature cited by the submitters: PubMed 9783703 (cited by 3 submitters); PubMed 23758643 (cited by 3 submitters); PubMed 31776437 (cited by Labcorp Genetics (formerly Invitae), Labcorp and Victorian Clinical Genetics Services, Murdoch Childrens Research Institute); PubMed 33372952 (cited by Labcorp Genetics (formerly Invitae), Labcorp); PubMed 20301288 (cited by Victorian Clinical Genetics Services, Murdoch Childrens Research Institute).